The following is an entry in ClinVar:

NM_032043.3(BRIP1):c.428_447del (p.Gln143fs)

Gene: BRIP1 (BRCA1 interacting DNA helicase 1; minus strand). Cytogenetic location: 17q23.2.
Variant type: Deletion.
Coding change: c.428_447del on transcript NM_032043.3 (MANE Select); coding-DNA positions 428 to 447, 20 bases deleted (AGGCATCCATATACAGAGAT).
Protein change: p.Gln143fs; shifts the reading frame from glutamine 143.
Molecular consequence: frameshift variant.
Genome position (GRCh38, 1-based): chr17:61,849,189-61,849,208, ATCTCTGTATATGGATGCCT deleted on the plus strand (AGGCATCCATATACAGAGAT on the coding strand, the reverse complement: BRIP1 is on the minus strand). VCF-style (leftmost placement, unchanged base first): chr17-61849188-CATCTCTGTATATGGATGCCT-C. GRCh37 (hg19) VCF-style: chr17-59926549-CATCTCTGTATATGGATGCCT-C.
Other names: short protein forms Q143fs.
Identifiers: ClinVar variation 2583819 (VCV002583819.2), dbSNP rs2545420289, ClinGen allele CA2582342245.

ClinVar aggregate classification (germline): Pathogenic (1 of 4 stars; one submission).

Conditions:
Familial cancer of breast. Also called: BREAST CANCER, FAMILIAL; hereditary breast carcinoma; Hereditary breast cancer. Identifiers: Orphanet 227535, MedGen C0346153, MONDO:0016419, OMIM 114480. Disease mechanism: loss of function.

Submission:

Myriad Genetics, Inc.
Classification: Pathogenic for Familial cancer of breast. Last evaluated: 2023-05-30. Review status: criteria provided, single submitter. Criteria: Myriad Autosomal Dominant, Autosomal Recessive and X-Linked Classification Criteria (2023). Collection method: clinical testing. Allele origin: unknown.
Comment: This variant is considered pathogenic. This variant creates a frameshift predicted to result in premature protein truncation.